The following is an entry in ClinVar:

ClinVar aggregate classification (germline): Uncertain significance. Review status: criteria provided, multiple submitters, no conflicts (2 of 4 stars). 3 submissions from 3 submitters: Uncertain significance (3). Last evaluated 2024-04-24.

Conditions:
Hereditary cancer-predisposing syndrome. Also called: Neoplastic Syndromes, Hereditary; Hereditary Cancer Syndrome; Tumor predisposition; Hereditary neoplastic syndrome. Identifiers: Orphanet 140162, MedGen C0027672, MeSH D009386, MONDO:0015356.

gnomAD v4.1: 5 of 1,608,976 alleles (0.00031%); highest among the groups gnomAD compares: South Asian, 0.0055%; no homozygotes.

Submissions (3):

Labcorp Genetics (formerly Invitae), Labcorp
Classification: Uncertain significance. Last evaluated: 2024-04-24. Review status: criteria provided, single submitter. Criteria: Invitae Variant Classification Sherloc (09022015). Collection method: clinical testing. Allele origin: germline.
Comment: This sequence change replaces valine, which is neutral and non-polar, with alanine, which is neutral and non-polar, at codon 774 of the POLE protein (p.Val774Ala). This variant is present in population databases (rs771591846, gnomAD 0.01%). This variant has not been reported in the literature in individuals affected with POLE-related conditions. ClinVar contains an entry for this variant (Variation ID: 573332). An algorithm developed to predict the effect of missense changes on protein structure and function (PolyPhen-2) suggests that this variant¬†is likely to be tolerated. RNA analysis performed to evaluate the impact of this missense change on mRNA splicing indicates it does not significantly alter splicing (Invitae). In summary, the available evidence is currently insufficient to determine the role of this variant in disease. Therefore, it has been classified as a Variant of Uncertain Significance.

Ambry Genetics
Classification: Uncertain significance for Hereditary cancer-predisposing syndrome. Last evaluated: 2023-03-15. Review status: criteria provided, single submitter. Criteria: Ambry Variant Classification Scheme 2023. Collection method: clinical testing. Allele origin: germline.
Comment: The p.V774A variant (also known as c.2321T>C), located in coding exon 21 of the POLE gene, results from a T to C substitution at nucleotide position 2321. The valine at codon 774 is replaced by alanine, an amino acid with similar properties. This amino acid position is conserved. In addition, the in silico prediction for this alteration is inconclusive. Since supporting evidence is limited at this time, the clinical significance of this alteration remains unclear.

Quest Diagnostics Nichols Institute San Juan Capistrano
Classification: Uncertain significance. Last evaluated: 2018-05-22. Review status: criteria provided, single submitter. Criteria: Quest Diagnostics criteria. Collection method: clinical testing. Allele origin: germline.

NM_006231.4(POLE):c.2321T>C (p.Val774Ala)

Gene: POLE (DNA polymerase epsilon, catalytic subunit; minus strand). Cytogenetic location: 12q24.33.
Variant type: single nucleotide variant.
Coding change: c.2321T>C on transcript NM_006231.4 (MANE Select); coding-DNA position 2321, T replaced by C.
Protein change: p.Val774Ala; replaces valine 774 with alanine.
Molecular consequence: missense variant.
Genome position (GRCh38, 1-based): chr12:132,665,449, A>G on the plus strand (T>C on the coding strand, the complement: POLE is on the minus strand). VCF-style: chr12-132665449-A-G. GRCh37 (hg19) VCF-style: chr12-133242035-A-G.
Other names: c.2321T>C (NM_006231.2); short protein forms V774A.
Identifiers: ClinVar variation 573332 (VCV000573332.9), dbSNP rs771591846, ClinGen allele CA6893587.